The following is an entry in ClinVar:

ClinVar aggregate classification (germline): Likely pathogenic (0 of 4 stars; one submission).

Conditions:
Hereditary antithrombin deficiency (AT3D). Also called: Thrombophilia due to antithrombin III deficiency; Antithrombin III deficiency; Reduced antithrombin III activity; Antithrombin deficiency. Identifiers: Orphanet 82, MedGen C0272375, MONDO:0013144, OMIM 613118, HP:0001976.

Submission:

ISTH-SSC Genomics in Thrombosis and Hemostasis, KU Leuven, Center for Molecular and Vascular Biology
Classification: Likely pathogenic for Hereditary antithrombin deficiency. Review status: no assertion criteria provided. Collection method: research. Allele origin: unknown. Affected: yes.
Comment: Submitted to GoldVariant by Dr Karyn Mégy from NIHR Bioresource - Cambridge University, UK

NM_000488.4(SERPINC1):c.951G>T (p.Leu317Phe)

Gene: SERPINC1 (serpin family C member 1; minus strand). Cytogenetic location: 1q25.1.
Variant type: single nucleotide variant.
Coding change: c.951G>T on transcript NM_000488.4 (MANE Select); coding-DNA position 951, G replaced by T.
Protein change: p.Leu317Phe; replaces leucine 317 with phenylalanine.
Molecular consequence: missense variant.
Genome position (GRCh38, 1-based): chr1:173,909,754, C>A on the plus strand (G>T on the coding strand, the complement: SERPINC1 is on the minus strand). VCF-style: chr1-173909754-C-A. GRCh37 (hg19) VCF-style: chr1-173878892-C-A.
Other names: c.807G>T, p.Leu269Phe (NM_001365052.2); c.1074G>T, p.Leu358Phe (NM_001386302.1); c.1032G>T, p.Leu344Phe (NM_001386303.1); c.930G>T, p.Leu310Phe (NM_001386304.1); c.894G>T, p.Leu298Phe (NM_001386305.1); c.735G>T, p.Leu245Phe (NM_001386306.1); short protein forms L245F, L269F, L298F, L310F, L317F, L344F, L358F.
Identifiers: ClinVar variation 1684311 (VCV001684311.1), dbSNP rs1468108124, ClinGen allele CA343774127.